The following is an entry in ClinVar:

NM_024915.4(GRHL2):c.1486-10T>G

Gene: GRHL2 (grainyhead like transcription factor 2; plus strand). Cytogenetic location: 8q22.3.
Variant type: single nucleotide variant.
Coding change: c.1486-10T>G on transcript NM_024915.4 (MANE Select); 10 bases into the intron before coding-DNA position 1486, T replaced by G.
Molecular consequence: intron variant.
Genome position (GRCh38, 1-based): chr8:101,636,887, T>G. VCF-style: chr8-101636887-T-G. GRCh37 (hg19) VCF-style: chr8-102649115-T-G.
Other names: c.1438-10T>G (NM_001330593.2).
Identifiers: ClinVar variation 2190347 (VCV002190347.5), dbSNP rs764979004, ClinGen allele CA4830591.
Genomic context (GRCh38, chr8:101,636,887, plus strand): 5'-TGTACATCACGTAATATTTTTTCCATTTCTTGTCTCTGACCTACAGTAAGCCTATTGTTT[T>G]GTTCCACAGGTGTATTACAACACGGATGATGAACGAGAAGGGTAAGACACTCAGTTCTTT-3'

ClinVar aggregate classification (germline): Uncertain significance. Review status: criteria provided, multiple submitters, no conflicts (2 of 4 stars). 2 submissions from 2 submitters: Uncertain significance (2). Last evaluated 2023-10-04.

Allele frequency attached by ClinVar (database versions not stated): TOPMed 0.00001; ExAC 0.00002; gnomAD exomes 0.00002.
gnomAD v4.1: 34 of 1,613,022 alleles (0.0021%); highest among the groups gnomAD compares: South Asian, 0.027%; no homozygotes.

Submissions (2):

GeneDx
Classification: Uncertain significance. Last evaluated: 2023-10-04. Review status: criteria provided, single submitter. Criteria: GeneDx Variant Classification Process June 2021. Collection method: clinical testing. Allele origin: germline. Affected: yes.
Comment: In silico analysis is inconclusive as to whether the variant alters gene splicing. In the absence of RNA/functional studies, the actual effect of this sequence change is unknown.; Has not been previously published as pathogenic or benign to our knowledge

Labcorp Genetics (formerly Invitae), Labcorp
Classification: Uncertain significance. Last evaluated: 2022-08-27. Review status: criteria provided, single submitter. Criteria: Invitae Variant Classification Sherloc (09022015). Collection method: clinical testing. Allele origin: germline.
Comment: This sequence change falls in intron 11 of the GRHL2 gene. It does not directly change the encoded amino acid sequence of the GRHL2 protein. This variant is present in population databases (rs764979004, gnomAD 0.03%). This variant has not been reported in the literature in individuals affected with GRHL2-related conditions. Algorithms developed to predict the effect of sequence changes on RNA splicing suggest that this variant may disrupt the consensus splice site. In summary, the available evidence is currently insufficient to determine the role of this variant in disease. Therefore, it has been classified as a Variant of Uncertain Significance.